The following is an entry in ClinVar:

ClinVar aggregate classification (germline): Uncertain significance (1 of 4 stars; one submission).

Submission:

Labcorp Genetics (formerly Invitae), Labcorp
Classification: Uncertain significance. Last evaluated: 2025-05-01. Review status: criteria provided, single submitter. Criteria: Invitae Variant Classification Sherloc (09022015). Collection method: clinical testing. Allele origin: germline.
Comment: This sequence change replaces arginine, which is basic and polar, with leucine, which is neutral and non-polar, at codon 460 of the GATAD2B protein (p.Arg460Leu). This variant is not present in population databases (gnomAD no frequency). This variant has not been reported in the literature in individuals affected with GATAD2B-related conditions. Invitae Evidence Modeling of protein sequence and biophysical properties (such as structural, functional, and spatial information, amino acid conservation, physicochemical variation, residue mobility, and thermodynamic stability) has been performed for this missense variant. However, the output from this modeling did not meet the statistical confidence thresholds required to predict the impact of this variant on GATAD2B protein function. In summary, the available evidence is currently insufficient to determine the role of this variant in disease. Therefore, it has been classified as a Variant of Uncertain Significance.

NM_020699.4(GATAD2B):c.1379G>T (p.Arg460Leu)

Gene: GATAD2B (GATA zinc finger domain containing 2B; minus strand). Cytogenetic location: 1q21.3.
Variant type: single nucleotide variant.
Coding change: c.1379G>T on transcript NM_020699.4 (MANE Select); coding-DNA position 1379, G replaced by T.
Protein change: p.Arg460Leu; replaces arginine 460 with leucine.
Molecular consequence: missense variant.
Genome position (GRCh38, 1-based): chr1:153,813,290, C>A on the plus strand (G>T on the coding strand, the complement: GATAD2B is on the minus strand). VCF-style: chr1-153813290-C-A. GRCh37 (hg19) VCF-style: chr1-153785766-C-A.
Other names: short protein forms R460L.
Identifiers: ClinVar variation 4743531 (VCV004743531.1).